The following is an entry in ClinVar:

ClinVar aggregate classification (germline): Uncertain significance. Review status: criteria provided, multiple submitters, no conflicts (2 of 4 stars). 2 submissions from 2 submitters: Uncertain significance (2). Last evaluated 2023-10-03.

Conditions:
Marinesco-Sjögren syndrome (MSS). Also called: Marinesco-SjÃ¶gren syndrome; Marinesco-Sjogren Syndrome. Identifiers: Orphanet 559, MedGen C0024814, MONDO:0009567, OMIM 248800.

Allele frequency attached by ClinVar (database versions not stated): gnomAD 0.00001; TOPMed 0.00001; gnomAD exomes 0.00004; ExAC 0.00010.
gnomAD v4.1: 66 of 1,614,174 alleles (0.0041%); highest among the groups gnomAD compares: South Asian, 0.07%; no homozygotes.

Submissions (2):

Labcorp Genetics (formerly Invitae), Labcorp
Classification: Uncertain significance for Marinesco-Sjögren syndrome. Last evaluated: 2023-10-03. Review status: criteria provided, single submitter. Criteria: Invitae Variant Classification Sherloc (09022015). Collection method: clinical testing. Allele origin: germline.
Comment: This sequence change replaces alanine, which is neutral and non-polar, with valine, which is neutral and non-polar, at codon 64 of the SIL1 protein (p.Ala64Val). This variant is present in population databases (rs777387984, gnomAD 0.08%). This variant has not been reported in the literature in individuals affected with SIL1-related conditions. ClinVar contains an entry for this variant (Variation ID: 351100). Advanced modeling of protein sequence and biophysical properties (such as structural, functional, and spatial information, amino acid conservation, physicochemical variation, residue mobility, and thermodynamic stability) performed at Invitae indicates that this missense variant is not expected to disrupt SIL1 protein function. In summary, the available evidence is currently insufficient to determine the role of this variant in disease. Therefore, it has been classified as a Variant of Uncertain Significance.

Illumina Laboratory Services, Illumina
Classification: Uncertain significance for Marinesco-Sjögren syndrome. Last evaluated: 2018-01-13. Review status: criteria provided, single submitter. Criteria: ICSL Variant Classification Criteria 13 December 2019. Collection method: clinical testing. Allele origin: germline.

NM_022464.5(SIL1):c.191C>T (p.Ala64Val)

Gene: SIL1 (SIL1 nucleotide exchange factor; minus strand). Cytogenetic location: 5q31.2.
Variant type: single nucleotide variant.
Coding change: c.191C>T on transcript NM_022464.5 (MANE Select); coding-DNA position 191, C replaced by T.
Protein change: p.Ala64Val; replaces alanine 64 with valine.
Molecular consequence: missense variant.
Genome position (GRCh38, 1-based): chr5:139,121,088, G>A on the plus strand (C>T on the coding strand, the complement: SIL1 is on the minus strand). VCF-style: chr5-139121088-G-A. GRCh37 (hg19) VCF-style: chr5-138456777-G-A.
Other names: c.191C>T, p.Ala64Val (NM_001037633.2); short protein forms A64V.
Identifiers: ClinVar variation 351100 (VCV000351100.7), dbSNP rs777387984, ClinGen allele CA3432665.